The following is an entry in ClinVar:

NM_033026.6(PCLO):c.12098C>T (p.Ser4033Phe)

Gene: PCLO (piccolo presynaptic cytomatrix protein; minus strand). Cytogenetic location: 7q21.11.
Variant type: single nucleotide variant.
Coding change: c.12098C>T on transcript NM_033026.6 (MANE Select); coding-DNA position 12098, C replaced by T.
Protein change: p.Ser4033Phe; replaces serine 4033 with phenylalanine.
Molecular consequence: missense variant.
Genome position (GRCh38, 1-based): chr7:82,915,888, G>A on the plus strand (C>T on the coding strand, the complement: PCLO is on the minus strand). VCF-style: chr7-82915888-G-A. GRCh37 (hg19) VCF-style: chr7-82545204-G-A.
Other names: c.12098C>T, p.Ser4033Phe (NM_014510.3); short protein forms S4033F.
Identifiers: ClinVar variation 1473341 (VCV001473341.6), dbSNP rs1165214046, ClinGen allele CA367890286.

ClinVar aggregate classification (germline): Uncertain significance (1 of 4 stars; one submission).

Submission:

Labcorp Genetics (formerly Invitae), Labcorp
Classification: Uncertain significance. Last evaluated: 2024-11-05. Review status: criteria provided, single submitter. Criteria: Invitae Variant Classification Sherloc (09022015). Collection method: clinical testing. Allele origin: germline.
Comment: This sequence change replaces serine, which is neutral and polar, with phenylalanine, which is neutral and non-polar, at codon 4033 of the PCLO protein (p.Ser4033Phe). This variant is not present in population databases (gnomAD no frequency). This variant has not been reported in the literature in individuals affected with PCLO-related conditions. ClinVar contains an entry for this variant (Variation ID: 1473341). Experimental studies and prediction algorithms are not available or were not evaluated, and the functional significance of this variant is currently unknown. In summary, the available evidence is currently insufficient to determine the role of this variant in disease. Therefore, it has been classified as a Variant of Uncertain Significance.